The following is an entry in ClinVar:

NM_152564.5(VPS13B):c.2078T>C (p.Ile693Thr)

Gene: VPS13B (vacuolar protein sorting 13 homolog B; plus strand). Cytogenetic location: 8q22.2.
Variant type: single nucleotide variant.
Coding change: c.2078T>C on transcript NM_152564.5 (MANE Select); coding-DNA position 2078, T replaced by C.
Protein change: p.Ile693Thr; replaces isoleucine 693 with threonine.
Molecular consequence: missense variant.
Genome position (GRCh38, 1-based): chr8:99,156,613, T>C. VCF-style: chr8-99156613-T-C. GRCh37 (hg19) VCF-style: chr8-100168841-T-C.
Other names: c.2078T>C, p.Ile693Thr (NM_015243.3, NM_017890.5); short protein forms I693T.
Identifiers: ClinVar variation 1926629 (VCV001926629.4), dbSNP rs1811378539, ClinGen allele CA371864933.
Genomic context (GRCh38, chr8:99,156,613, plus strand): 5'-CAAGTAACTTCATGAATACTACAAACTTCCAGTCTCTTCGGCCTTTGCCATCCATTCGAA[T>C]ATTGGTGGATAAAATTAATCTGGAACATTCAGTGCCAATGTATGCTGAACAGTTGGTGCA-3'
Protein context (NP_689777.3, residues 683-703): QSLRPLPSIR[Ile693Thr]LVDKINLEHS

ClinVar aggregate classification (germline): Uncertain significance. Review status: criteria provided, multiple submitters, no conflicts (2 of 4 stars). 3 submissions from 3 submitters: Uncertain significance (3). Last evaluated 2026-03-16.

Conditions:
VPS13B-related disorder. Also called: VPS13B-related condition.
Cohen syndrome (COH1). Also called: PEPPER SYNDROME; Cutis verticis gyrata, retinitis pigmentosa, and sensorineural deafness. Identifiers: Orphanet 193, MedGen C0265223, MONDO:0008999, OMIM 216550.
Inborn genetic diseases. Identifiers: MedGen C0950123, MeSH D030342.

Submissions (3):

PreventionGenetics, part of Exact Sciences
Classification: Uncertain significance for VPS13B-related condition. Last evaluated: 2026-03-16. Review status: criteria provided, single submitter. Criteria: ACMG Guidelines, 2015. Collection method: clinical testing. Allele origin: germline.
Comment: The VPS13B c.2078T>C variant is predicted to result in the amino acid substitution p.Ile693Thr. To our knowledge, this variant has not been reported in the literature or in a large population database (gnomAD), indicating this variant is rare. At this time, the clinical significance of this variant is uncertain due to the absence of conclusive functional and genetic evidence.

Ambry Genetics
Classification: Uncertain significance for Inborn genetic diseases. Last evaluated: 2022-12-21. Review status: criteria provided, single submitter. Criteria: Ambry Variant Classification Scheme 2023. Collection method: clinical testing. Allele origin: germline.

Labcorp Genetics (formerly Invitae), Labcorp
Classification: Uncertain significance for Cohen syndrome. Last evaluated: 2022-08-15. Review status: criteria provided, single submitter. Criteria: Invitae Variant Classification Sherloc (09022015). Collection method: clinical testing. Allele origin: germline.
Comment: This sequence change replaces isoleucine, which is neutral and non-polar, with threonine, which is neutral and polar, at codon 693 of the VPS13B protein (p.Ile693Thr). This variant is not present in population databases (gnomAD no frequency). This variant has not been reported in the literature in individuals affected with VPS13B-related conditions. Algorithms developed to predict the effect of missense changes on protein structure and function are either unavailable or do not agree on the potential impact of this missense change (SIFT: "Not Available"; PolyPhen-2: "Possibly Damaging"; Align-GVGD: "Not Available"). In summary, the available evidence is currently insufficient to determine the role of this variant in disease. Therefore, it has been classified as a Variant of Uncertain Significance.